The following is an entry in ClinVar:

NM_016284.5(CNOT1):c.6983A>G (p.Glu2328Gly)

Genes: CNOT1 (CCR4-NOT transcription complex subunit 1; minus strand), SETD6 (SET domain containing 6, protein lysine methyltransferase; plus strand). Cytogenetic location: 16q21.
Variant type: single nucleotide variant.
Coding change: c.6983A>G on transcript NM_016284.5 (MANE Select); coding-DNA position 6983, A replaced by G.
Protein change: p.Glu2328Gly; replaces glutamic acid 2328 with glycine.
Molecular consequence: missense variant. On other transcripts: non-coding transcript variant (1), 3 prime UTR variant (1).
Genome position (GRCh38, 1-based): chr16:58,521,252, T>C on the plus strand (A>G on the coding strand, the complement: CNOT1 is on the minus strand). VCF-style: chr16-58521252-T-C. GRCh37 (hg19) VCF-style: chr16-58555156-T-C.
Other names: c.6968A>G, p.Glu2323Gly (NM_001265612.2); c.*2223T>C (NM_001160305.4); short protein forms E2323G, E2328G.
Identifiers: ClinVar variation 3363233 (VCV003363233.1).

ClinVar aggregate classification (germline): Uncertain significance (1 of 4 stars; one submission).

gnomAD v4.1: 1 of 1,613,966 alleles (0.000062%); highest among the groups gnomAD compares: Non-Finnish European, 0.000085%; no homozygotes.

Submission:

GeneDx
Classification: Uncertain significance. Last evaluated: 2023-10-19. Review status: criteria provided, single submitter. Criteria: GeneDx Variant Classification Process June 2021. Collection method: clinical testing. Allele origin: germline. Affected: yes.
Comment: Not observed at significant frequency in large population cohorts (gnomAD); In silico analysis supports that this missense variant has a deleterious effect on protein structure/function; Has not been previously published as pathogenic or benign to our knowledge